The following is an entry in ClinVar:

ClinVar aggregate classification (germline): Uncertain significance (1 of 4 stars; one submission).

Submission:

Labcorp Genetics (formerly Invitae), Labcorp
Classification: Uncertain significance. Last evaluated: 2020-12-10. Review status: criteria provided, single submitter. Criteria: Invitae Variant Classification Sherloc (09022015). Collection method: clinical testing. Allele origin: germline.
Comment: In summary, the available evidence is currently insufficient to determine the role of this variant in disease. Therefore, it has been classified as a Variant of Uncertain Significance. Algorithms developed to predict the effect of missense changes on protein structure and function are either unavailable or do not agree on the potential impact of this missense change (SIFT: "Deleterious"; PolyPhen-2: "Possibly Damaging"; Align-GVGD: "Class C15"). This variant has not been reported in the literature in individuals with LRRC8A-related conditions. This variant is not present in population databases (ExAC no frequency). This sequence change replaces methionine with valine at codon 35 of the LRRC8A protein (p.Met35Val). The methionine residue is highly conserved and there is a small physicochemical difference between methionine and valine.

NM_019594.4(LRRC8A):c.103A>G (p.Met35Val)

Gene: LRRC8A (leucine rich repeat containing 8 VRAC subunit A; plus strand). Cytogenetic location: 9q34.11.
Variant type: single nucleotide variant.
Coding change: c.103A>G on transcript NM_019594.4 (MANE Select); coding-DNA position 103, A replaced by G.
Protein change: p.Met35Val; replaces methionine 35 with valine.
Molecular consequence: missense variant.
Genome position (GRCh38, 1-based): chr9:128,907,267, A>G. VCF-style: chr9-128907267-A-G. GRCh37 (hg19) VCF-style: chr9-131669546-A-G.
Other names: c.103A>G, p.Met35Val (NM_001127244.2, NM_001127245.2); short protein forms M35V.
Identifiers: ClinVar variation 1396706 (VCV001396706.8), dbSNP rs2131016550, ClinGen allele CA375071905.
Genomic context (GRCh38, chr9:128,907,267, plus strand): 5'-CCAGCATACCGGATCCTGAAGCCGTGGTGGGATGTGTTCACAGACTACATCTCTATCGTC[A>G]TGCTGATGATTGCCGTCTTCGGGGGGACGCTGCAGGTCACCCAAGACAAGATGATCTGCC-3'
Protein context (NP_062540.2, residues 25-45): DVFTDYISIV[Met35Val]LMIAVFGGTL